The following is an entry in ClinVar:

ClinVar aggregate classification (germline): Pathogenic. Review status: criteria provided, multiple submitters, no conflicts (2 of 4 stars). 25 submissions from 22 submitters: Pathogenic (22). 3 of the submissions do not count toward it. Last evaluated 2026-01-07.

Conditions:
PTPN11-related disorder. Also called: PTPN11-Related Disorders.
Cardiovascular phenotype. Identifiers: MedGen CN230736.
Noonan syndrome and Noonan-related syndrome. Identifiers: Orphanet 98733, MedGen C5681679, MONDO:0020297.
Noonan syndrome 1 (NS1). Also called: FEMALE PSEUDO-TURNER SYNDROME; TURNER PHENOTYPE WITH NORMAL KARYOTYPE; PTPN11-Related Noonan Syndrome. Identifiers: Orphanet 648, MedGen C4551602, MONDO:0008104, OMIM 163950. Disease mechanism: gain of function.
LEOPARD syndrome 1 (LPRD1). Also called: LENTIGINOSIS, CARDIOMYOPATHIC; MULTIPLE LENTIGINES SYNDROME; PTPN11-Related LEOPARD Syndrome. Identifiers: Orphanet 500, MedGen C4551484, MONDO:0100082, OMIM 151100.
Juvenile myelomonocytic leukemia (JMML). Also called: LEUKEMIA, JUVENILE MYELOMONOCYTIC, SOMATIC. Identifiers: Orphanet 86834, MedGen C0349639, MONDO:0011908, OMIM 607785, HP:0012209.
Metachondromatosis (METCDS). Identifiers: Orphanet 2499, MedGen C0410530, MONDO:0007979, OMIM 156250.
Noonan syndrome (NS). Also called: Noonan's syndrome. Identifiers: Orphanet 648, MedGen C0028326, MeSH D009634, MONDO:0018997. Disease mechanism: gain of function.
RASopathy. Also called: rasopathies; Noonan spectrum disorder. Identifiers: Orphanet 536391, MedGen C5555857, MONDO:0021060.

Allele frequency attached by ClinVar (database versions not stated): gnomAD exomes below 0.00001.
gnomAD v4.1: 1 of 1,613,262 alleles (0.000062%); highest among the groups gnomAD compares: Non-Finnish European, 0.000085%; no homozygotes.

Submissions 1 to 11 of 25:

Labcorp Genetics (formerly Invitae), Labcorp
Classification: Pathogenic for RASopathy. Last evaluated: 2026-01-07. Review status: criteria provided, single submitter. Criteria: Invitae Variant Classification Sherloc (09022015). Collection method: clinical testing. Allele origin: germline.
Comment: This sequence change replaces aspartic acid, which is acidic and polar, with asparagine, which is neutral and polar, at codon 61 of the PTPN11 protein (p.Asp61Asn). This variant is not present in population databases (gnomAD no frequency). This missense change has been observed in individuals with Noonan syndrome (PMID: 15834506, 16358218, 24150203, 26242988, 27521173). ClinVar contains an entry for this variant (Variation ID: 40495). Invitae Evidence Modeling incorporating data from in vitro experimental studies (internal data) indicates that this missense variant is expected to disrupt PTPN11 function with a positive predictive value of 95%. Experimental studies have shown that this missense change affects PTPN11 function (PMID: 15834506). This variant disrupts the p.Asp61 amino acid residue in PTPN11. Other variant(s) that disrupt this residue have been determined to be pathogenic (PMID: 15273746, 16358218, 23321623, 26242988). This suggests that this residue is clinically significant, and that variants that disrupt this residue are likely to be disease-causing. For these reasons, this variant has been classified as Pathogenic.

3billion
Classification: Pathogenic for Noonan syndrome 1. Last evaluated: 2025-05-16. Review status: criteria provided, single submitter. Criteria: ACMG Guidelines, 2015. Collection method: clinical testing. Allele origin: germline. Affected: yes.
Comment: The variant is observed at an extremely low frequency in the gnomAD v4.1.0 dataset (total allele frequency: <0.001%). Predicted Consequence/Location: The variant is located in a mutational hot spot and/or well-established functional domain in which established pathogenic variants have been reported. Missense variant. Missense changes are a common disease-causing mechanism. In silico tool predictions suggest damaging effect of the variant on gene or gene product [REVEL: 0.65 (>=0.6, sensitivity 0.68 and specificity 0.92); 3Cnet: 0.99 (> 0.75, sensitivity 0.96 and precision 0.92)]. The same nucleotide change resulting in the same amino acid change has been previously reported as pathogenic/likely pathogenic with strong evidence (ClinVar ID: VCV000040495 /PMID: 11992261 /3billion dataset). The variant has been previously reported as assumed (i.e. paternity and maternity not confirmed) de novo in at least one similarly affected unrelated individual (3billion dataset). Different missense changes at the same codon (p.Asp61Ala, p.Asp61Gly, p.Asp61His, p.Asp61Tyr, p.Asp61Val) have been reported as pathogenic/likely pathogenic with strong evidence (ClinVar ID: VCV000013330, VCV000040494, VCV000040496, VCV000179221, VCV000228392 /PMID: 11704759, 19927903, 20112233, 34358384 /3billion dataset). Therefore, this variant is classified as Pathogenic (PS1_S, PM1_M, PM2_M, PM5_M, PM6_M, PP2_P, PP3_P) according to the recommendation of ACMG/AMP guideline.

Blueprint Genetics
Classification: Pathogenic for PTPN11-related disorders. Last evaluated: 2024-09-05. Review status: criteria provided, single submitter. Criteria: ACMG Guidelines, 2015. Collection method: clinical testing. Allele origin: germline. Affected: yes. Observed: 3 variant alleles.

PreventionGenetics, part of Exact Sciences
Classification: Pathogenic for PTPN11-related condition. Last evaluated: 2023-08-10. Review status: criteria provided, single submitter. Criteria: ACMG Guidelines, 2015. Collection method: clinical testing. Allele origin: germline.
Comment: The PTPN11 c.181G>A variant is predicted to result in the amino acid substitution p.Asp61Asn. This variant has been reported in multiple individuals with Noonan syndrome (Tartaglia et al. 2002. PubMed ID: 11992261; Niihori et al. 2005. PubMed ID: 15834506; Tartaglia et al. 2006. PubMed ID: 16358218; Joyce et al. 2016. PubMed ID: 26242988). Additionally, different amino acid substitutions affecting the same amino acid (p.Asp61His, p.Asp61Ala, p.Asp61Gly) and nearby amino acids (p.Gly60Ser, p.Gly60Cys, p.Gly60Ala, p.Gly60Val, p.Tyr62Asn, p.Tyr62Asp, p.Tyr62Cys) have been reported as pathogenic (Human Gene Mutation Database). This variant has been interpreted as pathogenic by multiple labs in the ClinVar database. This variant is interpreted as pathogenic.

Mayo Clinic Laboratories, Mayo Clinic
Classification: Pathogenic. Last evaluated: 2023-03-28. Review status: criteria provided, single submitter. Criteria: ACMG Guidelines, 2015. Collection method: clinical testing. Allele origin: germline. Observed: 13 variant alleles.
Comment: PP2, PM1, PM2_supporting, PM5_strong, PS3, PS4

New York Genome Center
Classification: Pathogenic for Noonan syndrome 1; LEOPARD syndrome 1. Last evaluated: 2022-12-13. Review status: criteria provided, single submitter. Criteria: NYGC Assertion Criteria 2020. Collection method: clinical testing. Allele origin: de novo. Affected: yes. Observed: 1 heterozygote. Study: PrenatalSEQ.
Comment: The c.181G>A variant in PTPN11 has previously been reported in individuals with Noonan syndrome [PMID: 11992261, 15834506, 16358218, 22847776, 24150203, 26242988, 27521173, 29907801, 26918529, 32164556] and has been deposited in ClinVar [ClinVar ID: 40495] as Pathogenic by multiple submitters. The c.181G>A variant is observed in 1 allele (~0.00065% minor allele frequency with 0 homozygotes) in population databases (gnomAD v2.1.1 and v3.1.2, TOPMed Freeze 8, All of Us), suggesting it is not a common benign variant in the populations represented in those databases. The c.181G>A variant in PTPN11 is located in exon 3 of this 16-exon gene and predicted to replace an evolutionarily conserved aspartate amino acid with asparagine at position 61 in the N-SH2 domain of the encoded protein [PMID: 24628801]. In vitro functional studies demonstrated increased phosphatase activity in fibroblast cells carrying c.181G>A variant [PMID: 15834506]. Other missense variants affecting the same p.(Asp61) residue have been reported in the literature (p.Asp61Gly) [PMID: 26918529] and ClinVar [ClinVar IDs: 13330] in individuals with Noonan syndrome. Based on available evidence this de novo c.181G>A p.(Asp61Asn) variant identified in PTPN11 is classified here as Pathogenic for Noonan syndrome 1.

Laboratorio de Genetica e Diagnostico Molecular, Hospital Israelita Albert Einstein
Classification: Pathogenic for Noonan syndrome 1. Last evaluated: 2022-10-17. Review status: criteria provided, single submitter. Criteria: ACMG Guidelines, 2015. Collection method: clinical testing. Allele origin: germline. Affected: yes. Observed: 2 variant alleles.
Comment: ACMG classification criteria: PS3 supporting, PS4 strong, PM2 moderated, PM5 moderated, PP2 supporting

Baylor Genetics
Classification: Pathogenic for LEOPARD syndrome 1. Last evaluated: 2022-08-09. Review status: criteria provided, single submitter. Criteria: ACMG Guidelines, 2015. Collection method: clinical testing. Allele origin: unknown.

Baylor Genetics
Classification: Pathogenic for Metachondromatosis. Last evaluated: 2022-08-09. Review status: criteria provided, single submitter. Criteria: ACMG Guidelines, 2015. Collection method: clinical testing. Allele origin: unknown.

Baylor Genetics
Classification: Pathogenic for Noonan syndrome 1. Last evaluated: 2022-08-09. Review status: criteria provided, single submitter. Criteria: ACMG Guidelines, 2015. Collection method: clinical testing. Allele origin: unknown.

GeneDx
Classification: Pathogenic. Last evaluated: 2022-04-29. Review status: criteria provided, single submitter. Criteria: GeneDx Variant Classification Process June 2021. Collection method: clinical testing. Allele origin: germline. Affected: yes.
Comment: Published functional studies demonstrate the variant results in significantly increased activation of the PTPN11 protein compared to wild type (Niihori et al., 2005); Not observed at significant frequency in large population cohorts (gnomAD); In silico analysis, which includes protein predictors and evolutionary conservation, supports a deleterious effect; Missense variants in this gene are often considered pathogenic (HGMD); This variant is associated with the following publications: (PMID: 32164556, 11992261, 25097206, 26242988, 24803665, 27521173, 26817465, 12634870, 24150203, 28607217, 30417923, 26918529, 30050098, 29907801, 31560489, 30755392, 33300679, 33502061, 32719394, 27535533, 15834506, 9491886, 16053901, 29493581)

NM_002834.5(PTPN11):c.181G>A (p.Asp61Asn)

Gene: PTPN11 (protein tyrosine phosphatase non-receptor type 11; plus strand). Cytogenetic location: 12q24.13.
Variant type: single nucleotide variant.
Coding change: c.181G>A on transcript NM_002834.5 (MANE Select); coding-DNA position 181, G replaced by A.
Protein change: p.Asp61Asn; replaces aspartic acid 61 with asparagine.
Molecular consequence: missense variant.
Genome position (GRCh38, 1-based): chr12:112,450,361, G>A. VCF-style: chr12-112450361-G-A. GRCh37 (hg19) VCF-style: chr12-112888165-G-A.
Other names: p.D61N:GAT>AAT; c.181G>A, p.Asp61Asn (NM_001330437.2, NM_080601.3); c.178G>A, p.Asp60Asn (NM_001374625.1); c.181G>A (NM_002834.4); short protein forms D61N, D60N.
Identifiers: ClinVar variation 40495 (VCV000040495.54), dbSNP rs397507510, ClinGen allele CA235316.